The following is an entry in ClinVar:

NM_001194998.2(CEP152):c.2258del (p.Lys753fs)

Gene: CEP152 (centrosomal protein 152; minus strand). Cytogenetic location: 15q21.1.
Variant type: Deletion.
Coding change: c.2258del on transcript NM_001194998.2 (MANE Select); coding-DNA position 2258, one base deleted (A; older notation c.2258delA).
Protein change: p.Lys753fs; shifts the reading frame from lysine 753.
Molecular consequence: frameshift variant.
Genome position (GRCh38, 1-based): chr15:48,767,082, T deleted on the plus strand (A on the coding strand, the reverse complement: CEP152 is on the minus strand); the first of 4 consecutive T bases (chr15:48,767,082-48,767,085); deleting any one gives the same sequence. VCF-style (leftmost placement, unchanged base first): chr15-48767081-CT-C. GRCh37 (hg19) VCF-style: chr15-49059278-CT-C.
Other names: c.2258del, p.Lys753fs (NM_014985.4); short protein forms K753fs.
Identifiers: ClinVar variation 451346 (VCV000451346.2), dbSNP rs770971891, ClinGen allele CA7548633.

ClinVar aggregate classification (germline): Likely pathogenic (1 of 4 stars; one submission).

Submission:

GeneDx
Classification: Likely pathogenic. Last evaluated: 2017-08-08. Review status: criteria provided, single submitter. Criteria: GeneDx Variant Classification (06012015). Collection method: clinical testing. Allele origin: germline. Affected: yes.
Comment: The c.2258delA variant in the CEP152 gene has not been reported previously as a pathogenic variant nor as a benign variant, to our knowledge. The c.2258delA variant causes a frameshift starting with codon Lysine 753, changes this amino acid to an Arginine residue, and creates a premature Stop codon at position 29 of the new reading frame, denoted p.Lys753ArgfsX29. This variant is predicted to cause loss of normal protein function either through protein truncation or nonsense-mediated mRNA decay. The c.2258delA variant is not observed at a significant frequency in large population cohorts (Lek et al., 2016; 1000 Genomes Consortium et al., 2015; Exome Variant Server). We interpret c.2258delA as a likely pathogenic variant.